The following is an entry in ClinVar:

ClinVar aggregate classification (germline): Likely pathogenic. Review status: criteria provided, multiple submitters, no conflicts (2 of 4 stars). 2 submissions from 2 submitters: Likely pathogenic (2). Last evaluated 2024-09-03.

Conditions:
PMM2-congenital disorder of glycosylation. Also called: PHOSPHOMANNOMUTASE 2 DEFICIENCY; CARBOHYDRATE-DEFICIENT GLYCOPROTEIN SYNDROME, TYPE Ia; CDG Ia; Congenital disorder of glycosylation, type Ia; PMM2-CDG; JAEKEN SYNDROME. Identifiers: Orphanet 79318, MedGen C0349653, MONDO:0008907, OMIM 212065.

Allele frequency attached by ClinVar (database versions not stated): gnomAD exomes below 0.00001 and 0.00001; ExAC 0.00001.
gnomAD v4.1: 9 of 1,606,490 alleles (0.00056%); highest among the groups gnomAD compares: South Asian, 0.0011%; no homozygotes.

Submissions (2):

Natera, Inc.
Classification: Likely pathogenic for Congenital disorder of glycosylation type 1a. Last evaluated: 2024-09-03. Review status: criteria provided, single submitter. Criteria: Natera Variant Classification Schema (03/2026). Collection method: clinical testing. Allele origin: germline.
Comment: The c.448-1G>A variant in PMM2 is a canonical splice acceptor site variant predicted to affect pre-mRNA splicing, which may result in an abnormal transcript and altered protein product. This variant is expected to result in nonsense mediated decay, truncation, or a dysfunctional protein product. This variant is rare in the general population with a frequency below the threshold expected for the associated phenotype(s). Given the available evidence, this variant is classified as Likely Pathogenic.

Labcorp Genetics (formerly Invitae), Labcorp
Classification: Likely pathogenic for PMM2-congenital disorder of glycosylation. Last evaluated: 2023-06-06. Review status: criteria provided, single submitter. Criteria: Invitae Variant Classification Sherloc (09022015). Collection method: clinical testing. Allele origin: germline.
Comment: In summary, the currently available evidence indicates that the variant is pathogenic, but additional data are needed to prove that conclusively. Therefore, this variant has been classified as Likely Pathogenic. Algorithms developed to predict the effect of sequence changes on RNA splicing suggest that this variant may disrupt the consensus splice site. ClinVar contains an entry for this variant (Variation ID: 1519193). This variant has not been reported in the literature in individuals affected with PMM2-related conditions. This variant is present in population databases (rs762937296, gnomAD 0.003%). This sequence change affects an acceptor splice site in intron 5 of the PMM2 gene. It is expected to disrupt RNA splicing. Variants that disrupt the donor or acceptor splice site typically lead to a loss of protein function (PMID: 16199547), and loss-of-function variants in PMM2 are known to be pathogenic (PMID: 19862844).

Literature cited by the submitters: PubMed 16199547 (cited by Labcorp Genetics (formerly Invitae), Labcorp); PubMed 19862844 (cited by Labcorp Genetics (formerly Invitae), Labcorp).

NM_000303.3(PMM2):c.448-1G>A

Gene: PMM2 (phosphomannomutase 2; plus strand). Cytogenetic location: 16p13.2.
Variant type: single nucleotide variant.
Coding change: c.448-1G>A on transcript NM_000303.3 (MANE Select); the canonical splice acceptor site of the intron before coding-DNA position 448, G replaced by A.
Molecular consequence: splice acceptor variant.
Genome position (GRCh38, 1-based): chr16:8,811,637, G>A. VCF-style: chr16-8811637-G-A. GRCh37 (hg19) VCF-style: chr16-8905494-G-A.
Other names: c.448-1G>A (NM_000303.2).
Identifiers: ClinVar variation 1519193 (VCV001519193.9), dbSNP rs762937296, ClinGen allele CA7894082.
Genomic context (GRCh38, chr16:8,811,637, plus strand): 5'-TAAAACTGTGCTTTCTAAACTGCAATACAAGAAACAATTGGTATCTTTTTGTTTTTCTCA[G>A]AAAGAAAATATAAGACAAAAGTTTGTAGCAGATCTACGGAAAGAGTTTGCTGGAAAAGGC-3'